The following is an entry in ClinVar:

ClinVar aggregate classification (germline): Conflicting classifications of pathogenicity. Review status: criteria provided, conflicting classifications (1 of 4 stars). 2 submissions from 2 submitters: Uncertain significance (1); Likely benign (1). Last evaluated 2024-09-12.

Conditions:
Familial thoracic aortic aneurysm and aortic dissection (TAAD). Also called: Thoracic aortic aneurysms and dissections. Identifiers: Orphanet 91387, MedGen C4707243, MONDO:0019625.

Allele frequency attached by ClinVar (database versions not stated): gnomAD exomes below 0.00001; gnomAD 0.00001; TOPMed 0.00001.
gnomAD v4.1: 7 of 1,613,438 alleles (0.00043%); highest among the groups gnomAD compares: Non-Finnish European, 0.00051%; no homozygotes.

Submissions (2):

Color Diagnostics, LLC DBA Color Health
Classification: Uncertain significance for Familial thoracic aortic aneurysm and aortic dissection. Last evaluated: 2024-09-12. Review status: criteria provided, single submitter. Criteria: ACMG Guidelines, 2015. Collection method: clinical testing. Allele origin: germline.
Comment: This missense variant replaces valine with isoleucine at codon 2868 of the FBN1 protein. Computational prediction suggests that this variant may not impact protein structure and function. To our knowledge, functional studies have not been reported for this variant. This variant has been reported in an individual affected with idiopathic scoliosis (PMID: 24833718). This variant has not been identified in the general population by the Genome Aggregation Database (gnomAD). The available evidence is insufficient to determine the role of this variant in disease conclusively. Therefore, this variant is classified as a Variant of Uncertain Significance.

Ambry Genetics
Classification: Likely benign for Familial thoracic aortic aneurysm and aortic dissection. Last evaluated: 2023-11-22. Review status: criteria provided, single submitter. Criteria: Ambry Variant Classification Scheme 2023. Collection method: clinical testing. Allele origin: germline.

Literature cited by the submitters: PubMed 24833718 (cited by Color Diagnostics, LLC DBA Color Health).

NM_000138.5(FBN1):c.8602G>A (p.Val2868Ile)

Gene: FBN1 (fibrillin 1; minus strand). Cytogenetic location: 15q21.1.
Variant type: single nucleotide variant.
Coding change: c.8602G>A on transcript NM_000138.5 (MANE Select); coding-DNA position 8602, G replaced by A.
Protein change: p.Val2868Ile; replaces valine 2868 with isoleucine.
Molecular consequence: missense variant.
Genome position (GRCh38, 1-based): chr15:48,411,004, C>T on the plus strand (G>A on the coding strand, the complement: FBN1 is on the minus strand). VCF-style: chr15-48411004-C-T. GRCh37 (hg19) VCF-style: chr15-48703201-C-T.
Other names: short protein forms V2868I.
Identifiers: ClinVar variation 1171543 (VCV001171543.4), dbSNP rs1365239366, ClinGen allele CA392318412.